The following is an entry in ClinVar:

ClinVar aggregate classification (germline): Uncertain significance. Review status: criteria provided, multiple submitters, no conflicts (2 of 4 stars). 2 submissions from 2 submitters: Uncertain significance (2). Last evaluated 2025-03-31.

Allele frequency attached by ClinVar (database versions not stated): gnomAD exomes below 0.00001 and 0.00001; gnomAD 0.00001; TOPMed 0.00002.
gnomAD v4.1: 6 of 1,613,908 alleles (0.00037%); highest among the groups gnomAD compares: East Asian, 0.0045%; no homozygotes.

Submissions (2):

Ambry Genetics
Classification: Uncertain significance. Last evaluated: 2025-03-31. Review status: criteria provided, single submitter. Criteria: Ambry Variant Classification Scheme 2023. Collection method: clinical testing. Allele origin: germline.

Labcorp Genetics (formerly Invitae), Labcorp
Classification: Uncertain significance. Last evaluated: 2022-06-20. Review status: criteria provided, single submitter. Criteria: Invitae Variant Classification Sherloc (09022015). Collection method: clinical testing. Allele origin: germline.
Comment: Algorithms developed to predict the effect of missense changes on protein structure and function are either unavailable or do not agree on the potential impact of this missense change (SIFT: "Deleterious"; PolyPhen-2: "Benign"; Align-GVGD: "Class C15"). In summary, the available evidence is currently insufficient to determine the role of this variant in disease. Therefore, it has been classified as a Variant of Uncertain Significance. This variant has not been reported in the literature in individuals affected with ADGRA3-related conditions. This variant is present in population databases (no rsID available, gnomAD 0.01%). This sequence change replaces threonine, which is neutral and polar, with isoleucine, which is neutral and non-polar, at codon 1135 of the ADGRA3 protein (p.Thr1135Ile).

NM_145290.4(ADGRA3):c.3404C>T (p.Thr1135Ile)

Gene: ADGRA3 (adhesion G protein-coupled receptor A3; minus strand). Cytogenetic location: 4p15.2.
Variant type: single nucleotide variant.
Coding change: c.3404C>T on transcript NM_145290.4 (MANE Select); coding-DNA position 3404, C replaced by T.
Protein change: p.Thr1135Ile; replaces threonine 1135 with isoleucine.
Molecular consequence: missense variant.
Genome position (GRCh38, 1-based): chr4:22,388,267, G>A on the plus strand (C>T on the coding strand, the complement: ADGRA3 is on the minus strand). VCF-style: chr4-22388267-G-A. GRCh37 (hg19) VCF-style: chr4-22389890-G-A.
Other names: c.3404C>T (NM_145290.2); short protein forms T1135I.
Identifiers: ClinVar variation 1356213 (VCV001356213.9), dbSNP rs972347319, ClinGen allele CA93480168.